The following is an entry in ClinVar:

NM_002734.5(PRKAR1A):c.74A>G (p.His25Arg)

Gene: PRKAR1A (protein kinase cAMP-dependent type I regulatory subunit alpha; plus strand). Cytogenetic location: 17q24.2.
Variant type: single nucleotide variant.
Coding change: c.74A>G on transcript NM_002734.5 (MANE Select); coding-DNA position 74, A replaced by G.
Protein change: p.His25Arg; replaces histidine 25 with arginine.
Molecular consequence: missense variant.
Genome position (GRCh38, 1-based): chr17:68,515,473, A>G. VCF-style: chr17-68515473-A-G. GRCh37 (hg19) VCF-style: chr17-66511614-A-G.
Other names: c.74A>G, p.His25Arg (NM_001276289.2, NM_001276290.1, NM_001278433.2 and 4 more transcripts); short protein forms H25R.
Identifiers: ClinVar variation 4144355 (VCV004144355.2).
Genomic context (GRCh38, chr17:68,515,473, plus strand): 5'-GTACCGCCGCCAGTGAGGAGGCACGCAGCCTTCGAGAATGTGAGCTCTACGTCCAGAAGC[A>G]TAACATTCAAGCGCTGCTCAAAGATTCTATTGTGCAGTTGTGCACTGCTCGACCTGAGAG-3'
Protein context (NP_002725.1, residues 15-35): LRECELYVQK[His25Arg]NIQALLKDSI

ClinVar aggregate classification (germline): Uncertain significance. Review status: criteria provided, multiple submitters, no conflicts (2 of 4 stars). 2 submissions from 2 submitters: Uncertain significance (2). Last evaluated 2025-11-03.

Conditions:
Hereditary cancer-predisposing syndrome. Also called: Hereditary neoplastic syndrome; Neoplastic Syndromes, Hereditary; Tumor predisposition; Hereditary Cancer Syndrome. Identifiers: Orphanet 140162, MedGen C0027672, MeSH D009386, MONDO:0015356.
Carney complex, type 1 (CNC1). Also called: CARNEY MYXOMA-ENDOCRINE COMPLEX; CARNEY COMPLEX, TYPE I. Identifiers: Orphanet 1359, MedGen C2607929, MONDO:0008057, OMIM 160980.

gnomAD v4.1: 1 of 1,613,718 alleles (0.000062%); highest among the groups gnomAD compares: Non-Finnish European, 0.000085%; no homozygotes.

Submissions (2):

Labcorp Genetics (formerly Invitae), Labcorp
Classification: Uncertain significance for Carney complex, type 1. Last evaluated: 2025-11-03. Review status: criteria provided, single submitter. Criteria: Invitae Variant Classification Sherloc (09022015). Collection method: clinical testing. Allele origin: germline.
Comment: This sequence change replaces histidine, which is basic and polar, with arginine, which is basic and polar, at codon 25 of the PRKAR1A protein (p.His25Arg). This variant is not present in population databases (gnomAD no frequency). This variant has not been reported in the literature in individuals affected with PRKAR1A-related conditions. ClinVar contains an entry for this variant (Variation ID: 4144355). Invitae Evidence Modeling of protein sequence and biophysical properties (such as structural, functional, and spatial information, amino acid conservation, physicochemical variation, residue mobility, and thermodynamic stability) has been performed for this missense variant. However, the output from this modeling did not meet the statistical confidence thresholds required to predict the impact of this variant on PRKAR1A protein function. In summary, the available evidence is currently insufficient to determine the role of this variant in disease. Therefore, it has been classified as a Variant of Uncertain Significance.

Ambry Genetics
Classification: Uncertain significance for Hereditary cancer-predisposing syndrome. Last evaluated: 2025-07-13. Review status: criteria provided, single submitter. Criteria: Ambry Variant Classification Scheme 2023. Collection method: clinical testing. Allele origin: germline.
Comment: The p.H25R variant (also known as c.74A>G), located in coding exon 1 of the PRKAR1A gene, results from an A to G substitution at nucleotide position 74. The histidine at codon 25 is replaced by arginine, an amino acid with highly similar properties. This amino acid position is conserved. In addition, this alteration is predicted to be deleterious by in silico analysis. Based on the available evidence, the clinical significance of this variant remains unclear.